The following is an entry in ClinVar:

NM_005245.4(FAT1):c.11155G>T (p.Val3719Leu)

Genes: FAT1 (FAT atypical cadherin 1; minus strand), LOC126807254 (BRD4-independent group 4 enhancer GRCh37_chr4:187524269-187525468; plus strand). Cytogenetic location: 4q35.2.
Variant type: single nucleotide variant.
Coding change: c.11155G>T on transcript NM_005245.4 (MANE Select); coding-DNA position 11155, G replaced by T.
Protein change: p.Val3719Leu; replaces valine 3719 with leucine.
Molecular consequence: missense variant.
Genome position (GRCh38, 1-based): chr4:186,603,371, C>A on the plus strand (G>T on the coding strand, the complement: FAT1 is on the minus strand). VCF-style: chr4-186603371-C-A. GRCh37 (hg19) VCF-style: chr4-187524525-C-A.
Other names: c.11155G>T, p.Val3719Leu (NM_001440455.1, NM_001440456.1, NM_001440457.1); short protein forms V3719L.
Identifiers: ClinVar variation 5001650 (VCV005001650.1).

ClinVar aggregate classification (germline): Uncertain significance (1 of 4 stars; one submission).

Conditions:
FAT1-related disorder. Also called: FAT1-related condition.

Submission:

PreventionGenetics, part of Exact Sciences
Classification: Uncertain significance for FAT1-related condition. Last evaluated: 2025-07-17. Review status: criteria provided, single submitter. Criteria: ACMG Guidelines, 2015. Collection method: clinical testing. Allele origin: germline.
Comment: The FAT1 c.11155G>T variant is predicted to result in the amino acid substitution p.Val3719Leu. To our knowledge, this variant has not been reported in the literature or in a large population database (gnomAD), indicating this variant is rare. An alternative substitution at this amino acid position (p.Val3719Met) was reported in one family with pulmonary sarcoidosis; this family also carried multiple variants in other genes (Kishore et al. 2018. PubMed ID: 30054724). At this time, the clinical significance of this variant is uncertain due to the absence of conclusive functional and genetic evidence.